The following is an entry in ClinVar:

ClinVar aggregate classification (germline): Likely benign. Review status: criteria provided, multiple submitters, no conflicts (2 of 4 stars). 3 submissions from 3 submitters: Likely benign (3). Last evaluated 2019-07-11.

Allele frequency attached by ClinVar (database versions not stated): gnomAD exomes below 0.00001; gnomAD 0.00001; ExAC 0.00002.

Submissions (3):

Ambry Genetics
Classification: Likely benign. Last evaluated: 2019-07-11. Review status: criteria provided, single submitter. Criteria: Ambry Variant Classification Scheme 2023. Collection method: clinical testing. Allele origin: germline.

Labcorp Genetics (formerly Invitae), Labcorp
Classification: Likely benign. Last evaluated: 2018-08-29. Review status: criteria provided, single submitter. Criteria: Invitae Variant Classification Sherloc (09022015). Collection method: clinical testing. Allele origin: germline.

GeneDx
Classification: Likely benign. Last evaluated: 2016-11-17. Review status: criteria provided, single submitter. Criteria: GeneDx Variant Classification (06012015). Collection method: clinical testing. Allele origin: germline. Affected: yes.
Comment: This variant is considered likely benign or benign based on one or more of the following criteria: it is a conservative change, it occurs at a poorly conserved position in the protein, it is predicted to be benign by multiple in silico algorithms, and/or has population frequency not consistent with disease.

NM_002047.4(GARS1):c.531G>A (p.Glu177=)

Gene: GARS1 (glycyl-tRNA synthetase 1; plus strand). Cytogenetic location: 7p14.3.
Variant type: single nucleotide variant.
Coding change: c.531G>A on transcript NM_002047.4 (MANE Select); coding-DNA position 531, G replaced by A.
Protein change: p.Glu177=; no amino-acid change (glutamic acid 177 retained).
Molecular consequence: synonymous variant.
Genome position (GRCh38, 1-based): chr7:30,601,162, G>A. VCF-style: chr7-30601162-G-A. GRCh37 (hg19) VCF-style: chr7-30640778-G-A.
Other names: c.531G>A (LRG_243t1); c.369G>A, p.Glu123= (NM_001316772.1).
Identifiers: ClinVar variation 390885 (VCV000390885.6), dbSNP rs759865366, ClinGen allele CA4205725.